The following is an entry in ClinVar:

ClinVar aggregate classification (germline): Likely benign (1 of 4 stars; one submission).

Allele frequency attached by ClinVar (database versions not stated): ExAC 0.00002; gnomAD exomes 0.00003; gnomAD 0.00005; TOPMed 0.00005.
gnomAD v4.1: 60 of 1,614,036 alleles (0.0037%); highest among the groups gnomAD compares: Middle Eastern, 0.099%; no homozygotes.

Submission:

CeGaT Center for Human Genetics Tuebingen
Classification: Likely benign. Last evaluated: 2023-01-01. Review status: criteria provided, single submitter. Criteria: CeGaT Center For Human Genetics Tuebingen Variant Classification Criteria Version 2. Collection method: clinical testing. Allele origin: germline. Affected: yes. Observed: 1 variant allele.
Comment: DNAH2: BP4, BP7

NM_020877.5(DNAH2):c.2337G>A (p.Glu779=)

Gene: DNAH2 (dynein axonemal heavy chain 2; plus strand). Cytogenetic location: 17p13.1.
Variant type: single nucleotide variant.
Coding change: c.2337G>A on transcript NM_020877.5 (MANE Select); coding-DNA position 2337, G replaced by A.
Protein change: p.Glu779=; no amino-acid change (glutamic acid 779 retained).
Molecular consequence: synonymous variant.
Genome position (GRCh38, 1-based): chr17:7,759,013, G>A. VCF-style: chr17-7759013-G-A. GRCh37 (hg19) VCF-style: chr17-7662331-G-A.
Identifiers: ClinVar variation 2647372 (VCV002647372.24), dbSNP rs760576469, ClinGen allele CA8356453.